The following is an entry in ClinVar:

ClinVar aggregate classification (germline): Likely benign. Review status: criteria provided, multiple submitters, no conflicts (2 of 4 stars). 2 submissions from 2 submitters: Likely benign (2). Last evaluated 2026-05-07.

Conditions:
NBAS-related disorder. Also called: NBAS-related condition.

Allele frequency attached by ClinVar (database versions not stated): TOPMed 0.00001; ExAC 0.00003; ESP Exome Variant Server 0.00008.
gnomAD v4.1: 17 of 1,608,252 alleles (0.0011%); highest among the groups gnomAD compares: East Asian, 0.0067%; no homozygotes.

Submissions (2):

PreventionGenetics, part of Exact Sciences
Classification: Likely benign for NBAS-related condition. Last evaluated: 2026-05-07. Review status: criteria provided, single submitter. Criteria: ACMG Guidelines, 2015. Collection method: clinical testing. Allele origin: germline.
Comment: This variant is classified as likely benign based on ACMG/AMP sequence variant interpretation guidelines (Richards et al. 2015 PMID: 25741868, with internal and published modifications).

Labcorp Genetics (formerly Invitae), Labcorp
Classification: Likely benign. Last evaluated: 2025-09-28. Review status: criteria provided, single submitter. Criteria: Invitae Variant Classification Sherloc (09022015). Collection method: clinical testing. Allele origin: germline.

NM_015909.4(NBAS):c.5130G>A (p.Thr1710=)

Gene: NBAS (NBAS subunit of NRZ tethering complex; minus strand). Cytogenetic location: 2p24.3.
Variant type: single nucleotide variant.
Coding change: c.5130G>A on transcript NM_015909.4 (MANE Select); coding-DNA position 5130, G replaced by A.
Protein change: p.Thr1710=; no amino-acid change (threonine 1710 retained).
Molecular consequence: synonymous variant. On other transcripts: non-coding transcript variant (1).
Genome position (GRCh38, 1-based): chr2:15,287,081, C>T on the plus strand (G>A on the coding strand, the complement: NBAS is on the minus strand). VCF-style: chr2-15287081-C-T. GRCh37 (hg19) VCF-style: chr2-15427205-C-T.
Other names: c.5130G>A (NM_015909.3).
Identifiers: ClinVar variation 3011884 (VCV003011884.4), dbSNP rs142832718, ClinGen allele CA1535378.